The following is an entry in ClinVar:

ClinVar aggregate classification (germline): Uncertain significance. Review status: criteria provided, multiple submitters, no conflicts (2 of 4 stars). 2 submissions from 2 submitters: Uncertain significance (2). Last evaluated 2025-12-15.

Conditions:
Wilson disease (WND). Also called: Wilson's disease. Identifiers: Orphanet 905, MedGen C0019202, MONDO:0010200, OMIM 277900. Disease mechanism: loss of function.

Submissions (2):

Labcorp Genetics (formerly Invitae), Labcorp
Classification: Uncertain significance for Wilson disease. Last evaluated: 2025-12-15. Review status: criteria provided, single submitter. Criteria: Invitae Variant Classification Sherloc (09022015). Collection method: clinical testing. Allele origin: germline.
Comment: This sequence change replaces glutamic acid, which is acidic and polar, with aspartic acid, which is acidic and polar, at codon 418 of the ATP7B protein (p.Glu418Asp). This variant is not present in population databases (gnomAD no frequency). This variant has not been reported in the literature in individuals affected with ATP7B-related conditions. ClinVar contains an entry for this variant (Variation ID: 3069930). Invitae Evidence Modeling of protein sequence and biophysical properties (such as structural, functional, and spatial information, amino acid conservation, physicochemical variation, residue mobility, and thermodynamic stability) indicates that this missense variant is not expected to disrupt ATP7B protein function with a negative predictive value of 80%. In summary, the available evidence is currently insufficient to determine the role of this variant in disease. Therefore, it has been classified as a Variant of Uncertain Significance.

All of Us Research Program, National Institutes of Health
Classification: Uncertain significance for Wilson disease. Last evaluated: 2023-03-23. Review status: criteria provided, single submitter. Criteria: ACMG Guidelines, 2015. Collection method: clinical testing. Allele origin: germline. Inheritance: Autosomal recessive inheritance. Observed: 1 variant allele, 1 heterozygote.
Comment: This missense variant replaces glutamic acid with aspartic acid at codon 418 of the ATP7B protein. Computational prediction is inconclusive regarding the impact of this variant on protein structure and function (internally defined REVEL score threshold 0.5 < inconclusive < 0.7, PMID: 27666373). To our knowledge, functional studies have not been reported for this variant. This variant has not been reported in individuals affected with ATP7B-related disorders in the literature. This variant has not been identified in the general population by the Genome Aggregation Database (gnomAD). The available evidence is insufficient to determine the role of this variant in disease conclusively. Therefore, this variant is classified as a Variant of Uncertain Significance.

This study involves interpretation of variants in research participants for the purpose of population health screening. Participant phenotype was not available at the time of variant classification. Additional details can be found in publication PMID: 35346344, PMCID: PMC8962531

NM_000053.4(ATP7B):c.1254A>C (p.Glu418Asp)

Gene: ATP7B (ATPase copper transporting beta; minus strand). Cytogenetic location: 13q14.3.
Variant type: single nucleotide variant.
Coding change: c.1254A>C on transcript NM_000053.4 (MANE Select); coding-DNA position 1254, A replaced by C.
Protein change: p.Glu418Asp; replaces glutamic acid 418 with aspartic acid.
Molecular consequence: missense variant.
Genome position (GRCh38, 1-based): chr13:51,973,966, T>G on the plus strand (A>C on the coding strand, the complement: ATP7B is on the minus strand). VCF-style: chr13-51973966-T-G. GRCh37 (hg19) VCF-style: chr13-52548102-T-G.
Other names: c.1254A>C, p.Glu418Asp (NM_001406541.1, NM_001406542.1, NM_001406545.1 and 29 more transcripts); c.1158A>C, p.Glu386Asp (NM_001406543.1, NM_001406544.1, NM_001406517.1 and 3 more transcripts); c.921A>C, p.Glu307Asp (NM_001243182.2); c.825A>C, p.Glu275Asp (NM_001406539.1); short protein forms E275D, E307D, E386D, E418D.
Identifiers: ClinVar variation 3069930 (VCV003069930.2), dbSNP rs2547813206, ClinGen allele CA388038104.
Genomic context (GRCh38, chr13:51,973,966, plus strand): 5'-TCAGGACATGCCTCAAACACACTACGTACCAGAAACGACTGAAGCCTCAAATCCCATGTC[T>G]TCTATAGCAGCTCTGAGTTCTTCTGGGCTAATTACAGAGGGATTATAAAGAACTGTTGCA-3'
Protein context (NP_000044.2, residues 408-428): ISPEELRAAI[Glu418Asp]DMGFEASVVS